The following is an entry in ClinVar:

ClinVar aggregate classification (germline): Likely benign. Review status: criteria provided, multiple submitters, no conflicts (2 of 4 stars). 2 submissions from 2 submitters: Likely benign (2). Last evaluated 2024-11-27.

Allele frequency attached by ClinVar (database versions not stated): ESP Exome Variant Server 0.00008; gnomAD 0.00009; TOPMed 0.00009; ExAC 0.00021.
gnomAD v4.1: 343 of 1,575,924 alleles (0.022%); highest among the groups gnomAD compares: South Asian, 0.059%; 2 homozygotes.

Submissions (2):

Blueprint Genetics
Classification: Likely benign. Last evaluated: 2024-11-27. Review status: criteria provided, single submitter. Criteria: ACMG Guidelines, 2015. Collection method: clinical testing. Allele origin: germline.

CeGaT Center for Human Genetics Tuebingen
Classification: Likely benign. Last evaluated: 2024-01-01. Review status: criteria provided, single submitter. Criteria: CeGaT Center For Human Genetics Tuebingen Variant Classification Criteria Version 2. Collection method: clinical testing. Allele origin: germline. Affected: yes. Observed: 5 variant alleles.
Comment: NUP188: BP4, BP7

NM_015354.3(NUP188):c.891G>A (p.Ala297=)

Gene: NUP188 (nucleoporin 188; plus strand). Cytogenetic location: 9q34.11.
Variant type: single nucleotide variant.
Coding change: c.891G>A on transcript NM_015354.3 (MANE Select); coding-DNA position 891, G replaced by A.
Protein change: p.Ala297=; no amino-acid change (alanine 297 retained).
Molecular consequence: synonymous variant.
Genome position (GRCh38, 1-based): chr9:128,969,493, G>A. VCF-style: chr9-128969493-G-A. GRCh37 (hg19) VCF-style: chr9-131731772-G-A.
Identifiers: ClinVar variation 2659552 (VCV002659552.25), dbSNP rs145324169, ClinGen allele CA5272139.